The following is an entry in ClinVar:

NM_014014.5(SNRNP200):c.4585-10C>T

Gene: SNRNP200 (small nuclear ribonucleoprotein U5 subunit 200; minus strand). Cytogenetic location: 2q11.2.
Variant type: single nucleotide variant.
Coding change: c.4585-10C>T on transcript NM_014014.5 (MANE Select); 10 bases into the intron before coding-DNA position 4585, C replaced by T.
Molecular consequence: intron variant.
Genome position (GRCh38, 1-based): chr2:96,283,723, G>A on the plus strand (C>T on the coding strand, the complement: SNRNP200 is on the minus strand). VCF-style: chr2-96283723-G-A. GRCh37 (hg19) VCF-style: chr2-96949461-G-A.
Identifiers: ClinVar variation 4983483 (VCV004983483.1).
Genomic context (GRCh38, chr2:96,283,723, plus strand): 5'-AGGCTTGGCCATGGAGAGCAGGCGGGTTTGTGTATGGCTGATGTTGAAGCCCTGGCGACC[G>A]GGGAGAAGAAAAGACACCAAGGTTATCAGACCTGGGTCACTCAGGATCTATGTGACACCC-3'

ClinVar aggregate classification (germline): Likely benign (1 of 4 stars; one submission).

Conditions:
SNRNP200-related disorder. Also called: SNRNP200-related condition.

gnomAD v4.1: 19 of 1,614,004 alleles (0.0012%); highest among the groups gnomAD compares: South Asian, 0.0088%; no homozygotes.

Submission:

PreventionGenetics, part of Exact Sciences
Classification: Likely benign for SNRNP200-related condition. Last evaluated: 2026-08-19. Review status: criteria provided, single submitter. Criteria: ACMG Guidelines, 2015. Collection method: clinical testing. Allele origin: germline.
Comment: This variant is classified as likely benign based on ACMG/AMP sequence variant interpretation guidelines (Richards et al. 2015 PMID: 25741868, with internal and published modifications).